The following is an entry in ClinVar:

ClinVar aggregate classification (germline): Uncertain significance. Review status: criteria provided, multiple submitters, no conflicts (2 of 4 stars). 3 submissions from 3 submitters: Uncertain significance (2). 1 of the submissions does not count toward it. Last evaluated 2025-06-14.

Conditions:
Fanconi anemia complementation group G. Also called: Fanconi anemia group G; FANCG-Related Fanconi Anemia. Identifiers: Orphanet 84, MedGen C3469527, MONDO:0013565, OMIM 614082.
Fanconi anemia (FA). Also called: Fanconi's anemia. Identifiers: Orphanet 84, MedGen C0015625, MeSH D005199, MONDO:0019391.
Inborn genetic diseases. Identifiers: MedGen C0950123, MeSH D030342.

Allele frequency attached by ClinVar (database versions not stated): gnomAD exomes below 0.00001; gnomAD 0.00001.
gnomAD v4.1: 2 of 1,614,106 alleles (0.00012%); highest among the groups gnomAD compares: African/African-American, 0.0013%; no homozygotes.

Submissions (3):

Ambry Genetics
Classification: Uncertain significance for Inborn genetic diseases. Last evaluated: 2025-06-14. Review status: criteria provided, single submitter. Criteria: Ambry Variant Classification Scheme 2023. Collection method: clinical testing. Allele origin: germline.
Comment: The p.K532R variant (also known as c.1595A>G), located in coding exon 12 of the FANCG gene, results from an A to G substitution at nucleotide position 1595. The lysine at codon 532 is replaced by arginine, an amino acid with highly similar properties. This amino acid position is conserved. In addition, this alteration is predicted to be tolerated by in silico analysis. Based on the available evidence, the clinical significance of this variant remains unclear.

Labcorp Genetics (formerly Invitae), Labcorp
Classification: Uncertain significance for Fanconi anemia. Last evaluated: 2021-08-27. Review status: criteria provided, single submitter. Criteria: Invitae Variant Classification Sherloc (09022015). Collection method: clinical testing. Allele origin: germline.
Comment: This sequence change replaces lysine with arginine at codon 532 of the FANCG protein (p.Lys532Arg). The lysine residue is weakly conserved and there is a small physicochemical difference between lysine and arginine. This variant is not present in population databases (ExAC no frequency). This variant has not been reported in the literature in individuals affected with FANCG-related conditions. Algorithms developed to predict the effect of missense changes on protein structure and function output the following: SIFT: "Tolerated"; PolyPhen-2: "Benign"; Align-GVGD: "Class C0". The arginine amino acid residue is found in multiple mammalian species, which suggests that this missense change does not adversely affect protein function. In summary, the available evidence is currently insufficient to determine the role of this variant in disease. Therefore, it has been classified as a Variant of Uncertain Significance.

Natera, Inc.
Classification: Uncertain significance for Fanconi anemia group G. Last evaluated: 2020-02-26. Review status: no assertion criteria provided. Collection method: clinical testing. Allele origin: germline. Not counted in ClinVar's aggregate classification.

NM_004629.2(FANCG):c.1595A>G (p.Lys532Arg)

Gene: FANCG (FA complementation group G; minus strand). Cytogenetic location: 9p13.3.
Variant type: single nucleotide variant.
Coding change: c.1595A>G on transcript NM_004629.2 (MANE Select); coding-DNA position 1595, A replaced by G.
Protein change: p.Lys532Arg; replaces lysine 532 with arginine.
Molecular consequence: missense variant.
Genome position (GRCh38, 1-based): chr9:35,074,968, T>C on the plus strand (A>G on the coding strand, the complement: FANCG is on the minus strand). VCF-style: chr9-35074968-T-C. GRCh37 (hg19) VCF-style: chr9-35074965-T-C.
Other names: short protein forms K532R.
Identifiers: ClinVar variation 657118 (VCV000657118.8), dbSNP rs1587139402, ClinGen allele CA373303730.